The following is an entry in ClinVar:

NM_000540.3(RYR1):c.873G>A (p.Ala291=)

Gene: RYR1 (ryanodine receptor 1; plus strand). Cytogenetic location: 19q13.2.
Variant type: single nucleotide variant.
Coding change: c.873G>A on transcript NM_000540.3 (MANE Select); coding-DNA position 873, G replaced by A.
Protein change: p.Ala291=; no amino-acid change (alanine 291 retained).
Molecular consequence: synonymous variant.
Genome position (GRCh38, 1-based): chr19:38,448,427, G>A. VCF-style: chr19-38448427-G-A. GRCh37 (hg19) VCF-style: chr19-38939067-G-A.
Other names: p.Ala291=; c.873G>A, p.Ala291= (NM_001042723.2).
Identifiers: ClinVar variation 133234 (VCV000133234.23), dbSNP rs2229140, ClinGen allele CA024944.

ClinVar aggregate classification (germline): Benign/Likely benign. Review status: criteria provided, multiple submitters, no conflicts (2 of 4 stars). 12 submissions from 11 submitters: Benign (9); Likely benign (2). 1 of the submissions does not count toward it. Last evaluated 2026-02-03.

Conditions:
RYR1-related disorder. Also called: RYR1-related disorders; RYR1-related condition. Identifiers: MedGen CN239331.
Congenital multicore myopathy with external ophthalmoplegia (CMYO1B). Also called: Minicore myopathy with external ophthalmoplegia; MULTIMINICORE DISEASE WITH EXTERNAL OPHTHALMOPLEGIA; MULTICORE MYOPATHY; Congenital myopathy 1B, autosomal recessive; Minicore myopathy. Identifiers: Orphanet 598, Orphanet 98905, MedGen C1850674, MONDO:0009712, OMIM 255320, HP:0003789.
Malignant hyperthermia, susceptibility to, 1 (MHS1). Also called: Anesthesia related hyperthermia; Malignant hyperpyrexia; Fulminating hyperpyrexia; Pharmacogenic myopathy; Malignant hyperthermia suceptibility 1; RYR1-Related Malignant Hyperthermia Susceptibility. Identifiers: Orphanet 423, MedGen C2930980, MONDO:0007783, OMIM 145600.

Allele frequency attached by ClinVar (database versions not stated): ExAC 0.00141; 1000 Genomes Project 0.00359; 1000 Genomes Project 30x 0.00359; gnomAD 0.00438 and 0.00484; TOPMed 0.00515; ESP Exome Variant Server 0.00538.

Submissions (12):

Labcorp Genetics (formerly Invitae), Labcorp
Classification: Benign for RYR1-related disorder. Last evaluated: 2026-02-03. Review status: criteria provided, single submitter. Criteria: Invitae Variant Classification Sherloc (09022015). Collection method: clinical testing. Allele origin: germline.

Blueprint Genetics
Classification: Likely benign. Last evaluated: 2024-10-22. Review status: criteria provided, single submitter. Criteria: ACMG Guidelines, 2015. Collection method: clinical testing. Allele origin: germline.

Athena Diagnostics
Classification: Benign. Last evaluated: 2024-06-11. Review status: criteria provided, single submitter. Criteria: Athena Diagnostics Criteria. Collection method: clinical testing. Allele origin: unknown.

Color Diagnostics, LLC DBA Color Health
Classification: Benign for Malignant hyperthermia, susceptibility to, 1. Last evaluated: 2022-10-03. Review status: criteria provided, single submitter. Criteria: ACMG Guidelines, 2015. Collection method: clinical testing. Allele origin: germline.

Mayo Clinic Laboratories, Mayo Clinic
Classification: Benign. Last evaluated: 2020-09-17. Review status: criteria provided, single submitter. Criteria: ACMG Guidelines, 2015. Collection method: clinical testing. Allele origin: germline. Observed: 4 variant alleles.

Illumina Laboratory Services, Illumina
Classification: Benign for Congenital multicore myopathy with external ophthalmoplegia. Last evaluated: 2018-01-13. Review status: criteria provided, single submitter. Criteria: ICSL Variant Classification Criteria 13 December 2019. Collection method: clinical testing. Allele origin: germline.
Comment: This variant was observed in the ICSL laboratory as part of a predisposition screen in an ostensibly healthy population. It had not been previously curated by ICSL or reported in the Human Gene Mutation Database (HGMD: prior to June 1st, 2018), and was therefore a candidate for classification through an automated scoring system. Utilizing variant allele frequency, disease prevalence and penetrance estimates, and inheritance mode, an automated score was calculated to assess if this variant is too frequent to cause the disease. Based on the score and internal cut-off values, a variant classified as benign is not then subjected to further curation. The score for this variant resulted in a classification of benign for this disease.

Illumina Laboratory Services, Illumina
Classification: Benign for Malignant hyperthermia, susceptibility to, 1. Last evaluated: 2018-01-13. Review status: criteria provided, single submitter. Criteria: ICSL Variant Classification Criteria 13 December 2019. Collection method: clinical testing. Allele origin: germline.
Comment: the same text as in the submission from Illumina Laboratory Services, Illumina above.

PreventionGenetics, part of Exact Sciences
Classification: Benign. Last evaluated: 2017-01-15. Review status: criteria provided, single submitter. Criteria: ACMG Guidelines, 2015. Collection method: clinical testing. Allele origin: germline.

GeneDx
Classification: Benign. Last evaluated: 2016-11-23. Review status: criteria provided, single submitter. Criteria: GeneDx Variant Classification (06012015). Collection method: clinical testing. Allele origin: germline. Affected: yes.
Comment: This variant is considered likely benign or benign based on one or more of the following criteria: it is a conservative change, it occurs at a poorly conserved position in the protein, it is predicted to be benign by multiple in silico algorithms, and/or has population frequency not consistent with disease.

Genetic Services Laboratory, University of Chicago
Classification: Benign. Last evaluated: 2016-10-10. Review status: criteria provided, single submitter. Criteria: ACMG Guidelines, 2015. Collection method: clinical testing. Allele origin: germline. Affected: no.

Breakthrough Genomics
Classification: Likely benign. Review status: criteria provided, single submitter. Criteria: ACMG Guidelines, 2015. Collection method: not provided. Allele origin: germline. Inheritance: Autosomal recessive inheritance. Affected: yes.

RYR1 database
No classification provided. Review status: no classification provided. Collection method: not provided. Allele origin: unknown. Not counted in ClinVar's aggregate classification.